The following is an entry in ClinVar:

NM_023110.3(FGFR1):c.2452G>A (p.Gly818Arg)

Gene: FGFR1 (fibroblast growth factor receptor 1; minus strand). Cytogenetic location: 8p11.23.
Variant type: single nucleotide variant.
Coding change: c.2452G>A on transcript NM_023110.3 (MANE Select); coding-DNA position 2452, G replaced by A.
Protein change: p.Gly818Arg; replaces glycine 818 with arginine.
Molecular consequence: missense variant. On other transcripts: intron variant (3).
Genome position (GRCh38, 1-based): chr8:38,413,645, C>T on the plus strand (G>A on the coding strand, the complement: FGFR1 is on the minus strand). VCF-style: chr8-38413645-C-T. GRCh37 (hg19) VCF-style: chr8-38271163-C-T.
Other names: c.2446G>A, p.Gly816Arg (NM_001174063.2, NM_001174065.2, NM_015850.4); c.2422G>A, p.Gly808Arg (NM_001174064.2); c.2185G>A, p.Gly729Arg (NM_001174066.2, NM_023105.3); c.2545G>A, p.Gly849Arg (NM_001174067.2); c.2173G>A, p.Gly725Arg (NM_001354368.2); c.2179G>A, p.Gly727Arg (NM_023106.3); c.2019+273G>A (NM_001354370.2); c.2286+273G>A (NM_001354367.2); and 1 more; short protein forms G727R, G816R, G808R, G849R, G725R, G729R, G818R.
Identifiers: ClinVar variation 1405061 (VCV001405061.8), dbSNP rs17182456, ClinGen allele CA175137602.
Genomic context (GRCh38, chr8:38,413,645, plus strand): 5'-TTACAGCTGACGGTGGAGTCTGGGGAGGGCGTGTGGGTGGCAGTCAGCGGCGTTTGAGTC[C>T]GCCATTGGCAAGCTGGGCTGGGTGTCGGGGCAGGCAGGGCTCCTCGGGCAGCGGCTCATG-3'
Protein context (NP_075598.2, residues 808-822): PRHPAQLANG[Gly818Arg]LKRR

ClinVar aggregate classification (germline): Uncertain significance (1 of 4 stars; one submission).

Conditions:
Pfeiffer syndrome (ACS5). Also called: ACS V. Identifiers: Orphanet 710, MedGen C0220658, MONDO:0007043, OMIM 101600.
Hypogonadotropic hypogonadism 2 with or without anosmia (HH2). Also called: HYPOGONADOTROPIC HYPOGONADISM 2 WITHOUT ANOSMIA; HYPOGONADOTROPIC HYPOGONADISM 2 WITH OR WITHOUT ANOSMIA, SUSCEPTIBILITY TO; HYPOGONADOTROPIC HYPOGONADISM 2 WITHOUT ANOSMIA, SUSCEPTIBILITY TO; FGFR1-Related GnRH Deficiency (Kallmann Syndrome 2). Identifiers: Orphanet 478, MedGen C1563720, MONDO:0007844, OMIM 147950. Disease mechanism: loss of function.

Allele frequency attached by ClinVar (database versions not stated): gnomAD exomes 0.00001; TOPMed 0.00001.
gnomAD v4.1: 22 of 1,611,468 alleles (0.0014%); highest among the groups gnomAD compares: Middle Eastern, 0.017%; no homozygotes.

Submission:

Labcorp Genetics (formerly Invitae), Labcorp
Classification: Uncertain significance for Pfeiffer syndrome; Hypogonadotropic hypogonadism 2 with or without anosmia. Last evaluated: 2022-02-09. Review status: criteria provided, single submitter. Criteria: Invitae Variant Classification Sherloc (09022015). Collection method: clinical testing. Allele origin: germline.
Comment: This sequence change replaces glycine, which is neutral and non-polar, with arginine, which is basic and polar, at codon 818 of the FGFR1 protein (p.Gly818Arg). This variant is present in population databases (rs17182456, gnomAD 0.006%). This variant has not been reported in the literature in individuals affected with FGFR1-related conditions. Algorithms developed to predict the effect of missense changes on protein structure and function (SIFT, PolyPhen-2, Align-GVGD) all suggest that this variant is likely to be tolerated. Algorithms developed to predict the effect of sequence changes on RNA splicing suggest that this variant may create or strengthen a splice site. In summary, the available evidence is currently insufficient to determine the role of this variant in disease. Therefore, it has been classified as a Variant of Uncertain Significance.